The following is an entry in ClinVar:

NM_005632.3(CAPN15):c.1883C>T (p.Ala628Val)

Gene: CAPN15 (calpain 15; plus strand). Cytogenetic location: 16p13.3.
Variant type: single nucleotide variant.
Coding change: c.1883C>T on transcript NM_005632.3 (MANE Select); coding-DNA position 1883, C replaced by T.
Protein change: p.Ala628Val; replaces alanine 628 with valine.
Molecular consequence: missense variant.
Genome position (GRCh38, 1-based): chr16:549,655, C>T. VCF-style: chr16-549655-C-T. GRCh37 (hg19) VCF-style: chr16-599655-C-T.
Other names: short protein forms A628V.
Identifiers: ClinVar variation 3781049 (VCV003781049.1).

ClinVar aggregate classification (germline): Uncertain significance (1 of 4 stars; one submission).

Submission:

GeneDx
Classification: Uncertain significance. Last evaluated: 2024-10-19. Review status: criteria provided, single submitter. Criteria: GeneDx Variant Classification Process June 2021. Collection method: clinical testing. Allele origin: germline. Affected: yes.
Comment: Observed de novo in an individual from a large cohort of individuals with autism spectrum disorder (PMID: 35982159); Not observed at significant frequency in large population cohorts (gnomAD); In silico analysis supports that this missense variant has a deleterious effect on protein structure/function; This variant is associated with the following publications: (PMID: 35982160, 35982159)